The following is an entry in ClinVar:

ClinVar aggregate classification (germline): Uncertain significance (1 of 4 stars; one submission).

Allele frequency attached by ClinVar (database versions not stated): TOPMed 0.00001.

Submission:

Labcorp Genetics (formerly Invitae), Labcorp
Classification: Uncertain significance. Last evaluated: 2023-08-30. Review status: criteria provided, single submitter. Criteria: Invitae Variant Classification Sherloc (09022015). Collection method: clinical testing. Allele origin: germline.
Comment: In summary, the available evidence is currently insufficient to determine the role of this variant in disease. Therefore, it has been classified as a Variant of Uncertain Significance. Advanced modeling of protein sequence and biophysical properties (such as structural, functional, and spatial information, amino acid conservation, physicochemical variation, residue mobility, and thermodynamic stability) has been performed at Invitae for this missense variant, however the output from this modeling did not meet the statistical confidence thresholds required to predict the impact of this variant on SZT2 protein function. ClinVar contains an entry for this variant (Variation ID: 1441801). This variant has not been reported in the literature in individuals affected with SZT2-related conditions. This variant is not present in population databases (gnomAD no frequency). This sequence change replaces serine, which is neutral and polar, with asparagine, which is neutral and polar, at codon 1254 of the SZT2 protein (p.Ser1254Asn).

NM_001365999.1(SZT2):c.3932G>A (p.Ser1311Asn)

Gene: SZT2 (SZT2 subunit of KICSTOR complex; plus strand). Cytogenetic location: 1p34.2.
Variant type: single nucleotide variant.
Coding change: c.3932G>A on transcript NM_001365999.1 (MANE Select); coding-DNA position 3932, G replaced by A.
Protein change: p.Ser1311Asn; replaces serine 1311 with asparagine.
Molecular consequence: missense variant.
Genome position (GRCh38, 1-based): chr1:43,428,252, G>A. VCF-style: chr1-43428252-G-A. GRCh37 (hg19) VCF-style: chr1-43893923-G-A.
Other names: c.3761G>A, p.Ser1254Asn (NM_015284.4); short protein forms S1254N, S1311N.
Identifiers: ClinVar variation 1441801 (VCV001441801.8), dbSNP rs1653425962, ClinGen allele CA340019624.
Genomic context (GRCh38, chr1:43,428,252, plus strand): 5'-GAGGCCATTCCAGAGCTCAAGCCTCATGGCCCCTTCCACTTCCATCAGGGCTATTCCGCA[G>A]CTTGCAGCAAGCACAGAGTGTGACCTCCCAGGATTTGCTGACAGCGGTAGATGCCTGTGA-3'
Protein context (NP_001352928.1, residues 1301-1321): QRCYVRGLFR[Ser1311Asn]LQQAQSVTSQ